The following is an entry in ClinVar:

ClinVar aggregate classification (germline): Uncertain significance (1 of 4 stars; one submission).

Conditions:
Inborn genetic diseases. Identifiers: MedGen C0950123, MeSH D030342.

Submission:

Ambry Genetics
Classification: Uncertain significance for Inborn genetic diseases. Last evaluated: 2026-01-20. Review status: criteria provided, single submitter. Criteria: Ambry Variant Classification Scheme 2023. Collection method: clinical testing. Allele origin: germline.
Comment: The p.S833R variant (also known as c.2499T>A), located in coding exon 13 of the ASXL1 gene, results from a T to A substitution at nucleotide position 2499. The serine at codon 833 is replaced by arginine, an amino acid with dissimilar properties. This amino acid position is conserved. In addition, this alteration is predicted to be tolerated by in silico analysis. Based on the available evidence, the clinical significance of this variant remains unclear.

NM_015338.6(ASXL1):c.2499T>A (p.Ser833Arg)

Gene: ASXL1 (ASXL transcriptional regulator 1; plus strand). Cytogenetic location: 20q11.21.
Variant type: single nucleotide variant.
Coding change: c.2499T>A on transcript NM_015338.6 (MANE Select); coding-DNA position 2499, T replaced by A.
Protein change: p.Ser833Arg; replaces serine 833 with arginine.
Molecular consequence: missense variant.
Genome position (GRCh38, 1-based): chr20:32,435,211, T>A. VCF-style: chr20-32435211-T-A. GRCh37 (hg19) VCF-style: chr20-31023014-T-A.
Other names: c.2316T>A, p.Ser772Arg (NM_001363734.1); short protein forms S772R, S833R.
Identifiers: ClinVar variation 4825194 (VCV004825194.1).